The following is an entry in ClinVar:

ClinVar aggregate classification (germline): Uncertain significance (1 of 4 stars; one submission).

Conditions:
EGFR-related lung cancer (EGFR). Identifiers: MedGen CN130014.

gnomAD v4.1: 2 of 1,507,928 alleles (0.00013%); highest among the groups gnomAD compares: Non-Finnish European, 0.00018%; no homozygotes.

Submission:

Labcorp Genetics (formerly Invitae), Labcorp
Classification: Uncertain significance for EGFR-related lung cancer. Last evaluated: 2022-02-03. Review status: criteria provided, single submitter. Criteria: Invitae Variant Classification Sherloc (09022015). Collection method: clinical testing. Allele origin: germline.
Comment: In summary, the available evidence is currently insufficient to determine the role of this variant in disease. Therefore, it has been classified as a Variant of Uncertain Significance. Algorithms developed to predict the effect of missense changes on protein structure and function (SIFT, PolyPhen-2, Align-GVGD) all suggest that this variant is likely to be tolerated. This variant has not been reported in the literature in individuals affected with EGFR-related conditions. This variant is not present in population databases (gnomAD no frequency). This sequence change replaces lysine, which is basic and polar, with threonine, which is neutral and polar, at codon 28 of the EGFR protein (p.Lys28Thr).

NM_005228.5(EGFR):c.83A>C (p.Lys28Thr)

Gene: EGFR (epidermal growth factor receptor; plus strand). Cytogenetic location: 7p11.2.
Variant type: single nucleotide variant.
Coding change: c.83A>C on transcript NM_005228.5 (MANE Select); coding-DNA position 83, A replaced by C.
Protein change: p.Lys28Thr; replaces lysine 28 with threonine.
Molecular consequence: missense variant.
Genome position (GRCh38, 1-based): chr7:55,019,360, A>C. VCF-style: chr7-55019360-A-C. GRCh37 (hg19) VCF-style: chr7-55087053-A-C.
Other names: c.83A>C, p.Lys28Thr (NM_001346897.2, NM_001346898.2, NM_001346899.2 and 4 more transcripts); short protein forms K28T.
Identifiers: ClinVar variation 2092455 (VCV002092455.4), dbSNP rs2128853543, ClinGen allele CA367611311.